The following is an entry in ClinVar:

NM_025144.4(ALPK1):c.1397T>C (p.Val466Ala)

Gene: ALPK1 (alpha kinase 1; plus strand). Cytogenetic location: 4q25.
Variant type: single nucleotide variant.
Coding change: c.1397T>C on transcript NM_025144.4 (MANE Select); coding-DNA position 1397, T replaced by C.
Protein change: p.Val466Ala; replaces valine 466 with alanine.
Molecular consequence: missense variant.
Genome position (GRCh38, 1-based): chr4:112,430,944, T>C. VCF-style: chr4-112430944-T-C. GRCh37 (hg19) VCF-style: chr4-113352100-T-C.
Other names: c.1397T>C, p.Val466Ala (NM_001102406.2); c.1163T>C, p.Val388Ala (NM_001253884.2); short protein forms V388A, V466A.
Identifiers: ClinVar variation 2785036 (VCV002785036.3), dbSNP rs2476503336, ClinGen allele CA357894691.
Genomic context (GRCh38, chr4:112,430,944, plus strand): 5'-TGCATGGGCAAGGGGATTTCCAAAAAATCCTTGACACCTATTCACAGCACCATACTTCGG[T>C]GTGTGAAGTATTTGAAAGTGATTGTGGAAACAACAAAAATGAACAGAAAGATGCAAAAAC-3'
Protein context (NP_079420.3, residues 456-476): LDTYSQHHTS[Val466Ala]CEVFESDCGN

ClinVar aggregate classification (germline): Uncertain significance (1 of 4 stars; one submission).

gnomAD v4.1: 3 of 1,613,998 alleles (0.00019%); highest among the groups gnomAD compares: Non-Finnish European, 0.000085%; no homozygotes.

Submission:

Labcorp Genetics (formerly Invitae), Labcorp
Classification: Uncertain significance. Last evaluated: 2025-11-01. Review status: criteria provided, single submitter. Criteria: Invitae Variant Classification Sherloc (09022015). Collection method: clinical testing. Allele origin: germline.
Comment: This sequence change replaces valine, which is neutral and non-polar, with alanine, which is neutral and non-polar, at codon 466 of the ALPK1 protein (p.Val466Ala). This variant is not present in population databases (gnomAD no frequency). This variant has not been reported in the literature in individuals affected with ALPK1-related conditions. ClinVar contains an entry for this variant (Variation ID: 2785036). Invitae Evidence Modeling of protein sequence and biophysical properties (such as structural, functional, and spatial information, amino acid conservation, physicochemical variation, residue mobility, and thermodynamic stability) indicates that this missense variant is expected to disrupt ALPK1 protein function with a positive predictive value of 80%. In summary, the available evidence is currently insufficient to determine the role of this variant in disease. Therefore, it has been classified as a Variant of Uncertain Significance.